The following is an entry in ClinVar:

ClinVar aggregate classification (germline): Likely pathogenic (1 of 4 stars; one submission).

Conditions:
Hereditary breast ovarian cancer syndrome. Also called: Breast and ovarian cancer; BRCA1- and BRCA2-Associated Hereditary Breast and Ovarian Cancer; Hereditary breast and ovarian cancer syndrome (HBOC); Hereditary breast and ovarian cancer; Hereditary breast and/or ovarian cancer syndrome; Hereditary breast and ovarian cancer syndrome. Identifiers: Orphanet 145, MedGen C0677776, MeSH D061325, MONDO:0003582. Disease mechanism: loss of function.

Submission:

Women's Health and Genetics/Laboratory Corporation of America, LabCorp
Classification: Likely pathogenic for Hereditary breast ovarian cancer syndrome. Last evaluated: 2016-04-11. Review status: criteria provided, single submitter. Criteria: LabCorp Variant Classification Summary - May 2015. Collection method: clinical testing. Allele origin: germline.
Comment: Variant summary: The c.4211delT variant results in a premature termination codon, predicted to cause a truncated or absent BRCA1 protein, which is a commonly known mechanism for disease. Truncations downstream of this position have been classified as pathogenic by our laboratory (c.4222C>T, p.Gln1408X; c.4243delG, p.Glu1415fs). The variant is absent from the large, broad ExAC control population. The variant of interest has not, to our knowledge, been reported in affected individuals via publications and/or reputable databases/clinical laboratories; nor evaluated for functional impact by in vivo/vitro studies. Therefore, this variant has been classified as Likely Pathogenic.

NM_007294.4(BRCA1):c.4211del (p.Leu1404fs)

Gene: BRCA1 (BRCA1 DNA repair associated; minus strand). Cytogenetic location: 17q21.31.
Variant type: Deletion.
Coding change: c.4211del on transcript NM_007294.4 (MANE Select); coding-DNA position 4211, one base deleted (T; older notation c.4211delT).
Protein change: p.Leu1404fs; shifts the reading frame from leucine 1404.
Molecular consequence: frameshift variant. On other transcripts: non-coding transcript variant (1).
Genome position (GRCh38, 1-based): chr17:43,082,550, A deleted on the plus strand (T on the coding strand, the reverse complement: BRCA1 is on the minus strand). VCF-style (leftmost placement, unchanged base first): chr17-43082549-CA-C. GRCh37 (hg19) VCF-style: chr17-41234566-CA-C.
Other names: c.785delT, p.Leu262Argfs (NM_001408420.1, NM_001408422.1, NM_001408423.1 and 2 more transcripts); c.4067delT, p.Leu1356Argfs (NM_001407748.1, NM_001407749.1, NM_001407838.1 and 23 more transcripts); c.782delT, p.Leu261Argfs (NM_001408421.1, NM_001408424.1, NM_001408431.1); c.779delT, p.Leu260Argfs (NM_001408425.1, NM_001408426.1, NM_001408427.1 and 8 more transcripts); c.902delT, p.Leu301Argfs (NM_001407971.1, NM_001407973.1, NM_001407974.1 and 8 more transcripts); c.899delT, p.Leu300Argfs (NM_001407972.1, NM_001407979.1, NM_001407980.1 and 18 more transcripts); c.896delT, p.Leu299Argfs (NM_001408400.1, NM_001408401.1, NM_001408402.1 and 1 more transcripts); c.893delT, p.Leu298Argfs (NM_001408406.1, NM_001408408.1); and 54 more; short protein forms L1357fs, L1404fs, L301fs.
Identifiers: ClinVar variation 496378 (VCV000496378.2), dbSNP rs1555584251, ClinGen allele CA658684087.